The following is an entry in ClinVar:

ClinVar aggregate classification (germline): Uncertain significance (1 of 4 stars; one submission).

Conditions:
Renal cell carcinoma. Identifiers: Orphanet 217071, MedGen C0007134, MeSH D002292, MONDO:0005086, HP:0005584.

Submission:

Labcorp Genetics (formerly Invitae), Labcorp
Classification: Uncertain significance for Renal cell carcinoma. Last evaluated: 2020-12-11. Review status: criteria provided, single submitter. Criteria: Invitae Variant Classification Sherloc (09022015). Collection method: clinical testing. Allele origin: germline.
Comment: In summary, the available evidence is currently insufficient to determine the role of this variant in disease. Therefore, it has been classified as a Variant of Uncertain Significance. Algorithms developed to predict the effect of missense changes on protein structure and function are either unavailable or do not agree on the potential impact of this missense change (SIFT: "Tolerated"; PolyPhen-2: "Probably Damaging"; Align-GVGD: "Class C0"). This variant has not been reported in the literature in individuals with MET-related conditions. This variant is not present in population databases (ExAC no frequency). This sequence change replaces glutamic acid with aspartic acid at codon 28 of the MET protein (p.Glu28Asp). The glutamic acid residue is moderately conserved and there is a small physicochemical difference between glutamic acid and aspartic acid.

NM_000245.4(MET):c.84G>C (p.Glu28Asp)

Gene: MET (MET proto-oncogene, receptor tyrosine kinase; plus strand). Cytogenetic location: 7q31.2.
Variant type: single nucleotide variant.
Coding change: c.84G>C on transcript NM_000245.4 (MANE Select); coding-DNA position 84, G replaced by C.
Protein change: p.Glu28Asp; replaces glutamic acid 28 with aspartic acid.
Molecular consequence: missense variant. On other transcripts: intron variant (1).
Genome position (GRCh38, 1-based): chr7:116,699,168, G>C. VCF-style: chr7-116699168-G-C. GRCh37 (hg19) VCF-style: chr7-116339222-G-C.
Other names: c.84G>C, p.Glu28Asp (NM_001127500.3, NM_001324401.3); c.-91+26591G>C (NM_001324402.2); short protein forms E28D.
Identifiers: ClinVar variation 1521376 (VCV001521376.8), dbSNP rs759602956, ClinGen allele CA368968307.